The following is an entry in ClinVar:

ClinVar aggregate classification (germline): Uncertain significance (1 of 4 stars; one submission).

Allele frequency attached by ClinVar (database versions not stated): gnomAD 0.00001.

Submission:

Labcorp Genetics (formerly Invitae), Labcorp
Classification: Uncertain significance. Last evaluated: 2022-04-09. Review status: criteria provided, single submitter. Criteria: Invitae Variant Classification Sherloc (09022015). Collection method: clinical testing. Allele origin: germline.
Comment: This variant has not been reported in the literature in individuals affected with SLC34A3-related conditions. This variant is present in population databases (rs200584216, gnomAD 0.05%). This sequence change replaces leucine, which is neutral and non-polar, with arginine, which is basic and polar, at codon 66 of the SLC34A3 protein (p.Leu66Arg). In summary, the available evidence is currently insufficient to determine the role of this variant in disease. Therefore, it has been classified as a Variant of Uncertain Significance. Algorithms developed to predict the effect of missense changes on protein structure and function are either unavailable or do not agree on the potential impact of this missense change (SIFT: "Deleterious"; PolyPhen-2: "Probably Damaging"; Align-GVGD: "Class C0").

NM_001177316.2(SLC34A3):c.197T>G (p.Leu66Arg)

Gene: SLC34A3 (solute carrier family 34 member 3; plus strand). Cytogenetic location: 9q34.3.
Variant type: single nucleotide variant.
Coding change: c.197T>G on transcript NM_001177316.2 (MANE Select); coding-DNA position 197, T replaced by G.
Protein change: p.Leu66Arg; replaces leucine 66 with arginine.
Molecular consequence: missense variant.
Genome position (GRCh38, 1-based): chr9:137,232,596, T>G. VCF-style: chr9-137232596-T-G. GRCh37 (hg19) VCF-style: chr9-140127048-T-G.
Other names: c.197T>G, p.Leu66Arg (NM_001177317.2, NM_080877.3); short protein forms L66R.
Identifiers: ClinVar variation 1926568 (VCV001926568.5), dbSNP rs200584216, ClinGen allele CA5364269.
Genomic context (GRCh38, chr9:137,232,596, plus strand): 5'-TGGAGGGCCAGCCAGGGACAGCCTGCCCTGTGTCCTCAGAGCTCCGCGTGGCCGGCAGGC[T>G]GCGCCGCGTGGCCGGCAGCGTCCTCAAGGCCTGCGGGCTCCTCGGCAGCCTGTACTTCTT-3'
Protein context (NP_001170787.2, residues 56-76): PWKELRVAGR[Leu66Arg]RRVAGSVLKA